The following is an entry in ClinVar:

ClinVar aggregate classification (germline): Uncertain significance. Review status: criteria provided, multiple submitters, no conflicts (2 of 4 stars). 5 submissions from 5 submitters: Uncertain significance (4). 1 of the submissions does not count toward it. Last evaluated 2025-03-17.

Conditions:
Inborn genetic diseases. Identifiers: MedGen C0950123, MeSH D030342.
ABCA4-related disorder. Also called: ABCA4-related disorders; ABCA4-related condition. Identifiers: MedGen CN239167.

Allele frequency attached by ClinVar (database versions not stated): gnomAD exomes 0.00002 and 0.00007; ExAC 0.00004; gnomAD 0.00004; TOPMed 0.00004; ESP Exome Variant Server 0.00008.
gnomAD v4.1: 115 of 1,607,690 alleles (0.0072%); highest among the groups gnomAD compares: Non-Finnish European, 0.0093%; no homozygotes.

Submissions (5):

Labcorp Genetics (formerly Invitae), Labcorp
Classification: Uncertain significance. Last evaluated: 2025-03-17. Review status: criteria provided, single submitter. Criteria: Invitae Variant Classification Sherloc (09022015). Collection method: clinical testing. Allele origin: germline.
Comment: This sequence change replaces threonine, which is neutral and polar, with serine, which is neutral and polar, at codon 1196 of the ABCA4 protein (p.Thr1196Ser). This variant is present in population databases (rs370967816, gnomAD 0.005%). This variant has not been reported in the literature in individuals affected with ABCA4-related conditions. ClinVar contains an entry for this variant (Variation ID: 298249). Invitae Evidence Modeling of protein sequence and biophysical properties (such as structural, functional, and spatial information, amino acid conservation, physicochemical variation, residue mobility, and thermodynamic stability) indicates that this missense variant is not expected to disrupt ABCA4 protein function with a negative predictive value of 95%. In summary, the available evidence is currently insufficient to determine the role of this variant in disease. Therefore, it has been classified as a Variant of Uncertain Significance.

Blueprint Genetics
Classification: Uncertain significance. Last evaluated: 2024-10-09. Review status: criteria provided, single submitter. Criteria: ACMG Guidelines, 2015. Collection method: clinical testing. Allele origin: germline.

Ambry Genetics
Classification: Uncertain significance for Inborn genetic diseases. Last evaluated: 2023-05-26. Review status: criteria provided, single submitter. Criteria: Ambry Variant Classification Scheme 2023. Collection method: clinical testing. Allele origin: germline.

Illumina Laboratory Services, Illumina
Classification: Uncertain significance for ABCA4-Related Disorders. Last evaluated: 2018-01-12. Review status: criteria provided, single submitter. Criteria: ICSL Variant Classification Criteria 13 December 2019. Collection method: clinical testing. Allele origin: germline.

PreventionGenetics, part of Exact Sciences
Classification: Uncertain significance for ABCA4-related condition. Last evaluated: 2024-09-18. Review status: no assertion criteria provided. Collection method: clinical testing. Allele origin: germline. Not counted in ClinVar's aggregate classification.
Comment: The ABCA4 c.3586A>T variant is predicted to result in the amino acid substitution p.Thr1196Ser. To our knowledge, this variant has not been reported in the literature. This variant is reported in 0.0048% of alleles in individuals of European (Non-Finnish) descent in gnomAD. At this time, the clinical significance of this variant is uncertain due to the absence of conclusive functional and genetic evidence.

NM_000350.3(ABCA4):c.3586A>T (p.Thr1196Ser)

Gene: ABCA4 (ATP binding cassette subfamily A member 4; minus strand). Cytogenetic location: 1p22.1.
Variant type: single nucleotide variant.
Coding change: c.3586A>T on transcript NM_000350.3 (MANE Select); coding-DNA position 3586, A replaced by T.
Protein change: p.Thr1196Ser; replaces threonine 1196 with serine.
Molecular consequence: missense variant.
Genome position (GRCh38, 1-based): chr1:94,040,064, T>A on the plus strand (A>T on the coding strand, the complement: ABCA4 is on the minus strand). VCF-style: chr1-94040064-T-A. GRCh37 (hg19) VCF-style: chr1-94505620-T-A.
Other names: c.3364A>T, p.Thr1122Ser (NM_001425324.1); short protein forms T1196S, T1122S.
Identifiers: ClinVar variation 298249 (VCV000298249.14), dbSNP rs370967816, ClinGen allele CA957889.